The following is an entry in ClinVar:

GRCh38/hg38 10q21.1(chr10:54744949-57175841)x1

Genes: MTRNR2L5 (MT-RNR2 like 5; plus strand), PCDH15 (protocadherin related 15; minus strand), ZWINT (ZW10 interacting kinetochore protein; minus strand), LOC126860936 (CDK7 strongly-dependent group 2 enhancer GRCh37_chr10:58118905-58120104; plus strand), LOC126860937 (BRD4-independent group 4 enhancer GRCh37_chr10:58297350-58298549; plus strand) and 5 more. Cytogenetic location: 10q21.1.
Variant type: copy number loss.
Change: copy number 1 (one copy instead of two) of chr10:54,744,949-57,175,841 (2.43 Mb, GRCh38 coordinates, 1-based), cytogenetic band 10q21.1.
Identifiers: ClinVar variation 4796029 (VCV004796029.1).

ClinVar aggregate classification (germline): Uncertain significance (1 of 4 stars; one submission).

Submission:

Medical Genetic Center, Changzhi Maternal and Child Health Care Hospital
Classification: Uncertain significance. Last evaluated: 2025-12-10. Review status: criteria provided, single submitter. Criteria: ACMG/ClinGen CNV Guidelines, 2019. Collection method: clinical testing. Allele origin: unknown.